The following is an entry in ClinVar:

NM_001375524.1(TRRAP):c.9770A>G (p.Tyr3257Cys)

Gene: TRRAP (transformation/transcription domain associated protein; plus strand). Cytogenetic location: 7q22.1.
Variant type: single nucleotide variant.
Coding change: c.9770A>G on transcript NM_001375524.1 (MANE Select); coding-DNA position 9770, A replaced by G.
Protein change: p.Tyr3257Cys; replaces tyrosine 3257 with cysteine.
Molecular consequence: missense variant.
Genome position (GRCh38, 1-based): chr7:98,992,150, A>G. VCF-style: chr7-98992150-A-G. GRCh37 (hg19) VCF-style: chr7-98589773-A-G.
Other names: c.9782A>G, p.Tyr3261Cys (NM_001244580.2); c.9695A>G, p.Tyr3232Cys (NM_003496.4); short protein forms Y3232C, Y3257C, Y3261C.
Identifiers: ClinVar variation 4076680 (VCV004076680.1).

ClinVar aggregate classification (germline): Uncertain significance (1 of 4 stars; one submission).

gnomAD v4.1: 2 of 1,614,250 alleles (0.00012%); highest among the groups gnomAD compares: South Asian, 0.0011%; no homozygotes.

Submission:

GeneDx
Classification: Uncertain significance. Last evaluated: 2025-02-19. Review status: criteria provided, single submitter. Criteria: GeneDx Variant Classification Process June 2021. Collection method: clinical testing. Allele origin: germline. Affected: yes.
Comment: Not observed at significant frequency in large population cohorts (gnomAD); In silico analysis supports that this missense variant has a deleterious effect on protein structure/function; Has not been previously published as pathogenic or benign to our knowledge